The following is an entry in ClinVar:

ClinVar aggregate classification (germline): other (0 of 4 stars; one submission).

Conditions:
Familial colorectal cancer. Identifiers: MedGen CN280943, MONDO:0023113. Disease mechanism: loss of function.

Submission:

Systems Biology Platform Zhejiang California International NanoSystems Institute
Classification: other for Familial colorectal cancer. Review status: no assertion criteria provided. Collection method: not provided. Allele origin: unknown.
ClinVar note: Converted during submission from cancer to other.

NC_000005.10:g.112847460A>G

Variant type: single nucleotide variant.
Genome position: GRCh38 VCF-style: chr5-112847460-A-G. GRCh37 (hg19) VCF-style: chr5-112183157-A-G.
Identifiers: ClinVar variation 83276 (VCV000083276.3), dbSNP rs2546112, ClinGen allele CA250968.